The following is an entry in ClinVar:

NM_000124.4(ERCC6):c.1669C>G (p.Arg557Gly)

Gene: ERCC6 (ERCC excision repair 6, chromatin remodeling factor; minus strand). Cytogenetic location: 10q11.23.
Variant type: single nucleotide variant.
Coding change: c.1669C>G on transcript NM_000124.4 (MANE Select); coding-DNA position 1669, C replaced by G.
Protein change: p.Arg557Gly; replaces arginine 557 with glycine.
Molecular consequence: missense variant.
Genome position (GRCh38, 1-based): chr10:49,500,554, G>C on the plus strand (C>G on the coding strand, the complement: ERCC6 is on the minus strand). VCF-style: chr10-49500554-G-C. GRCh37 (hg19) VCF-style: chr10-50708600-G-C.
Other names: c.1669C>G, p.Arg557Gly (NM_001346440.2); c.1669C>G (NM_000124.3); short protein forms R557G.
Identifiers: ClinVar variation 1944660 (VCV001944660.3), dbSNP rs115582915, ClinGen allele CA376728589.

ClinVar aggregate classification (germline): Uncertain significance. Review status: criteria provided, multiple submitters, no conflicts (2 of 4 stars). 2 submissions from 2 submitters: Uncertain significance (2). Last evaluated 2021-05-12.

Conditions:
Cockayne syndrome type 2 (CSB). Also called: COCKAYNE SYNDROME B; Cockayne Syndrome, Type II. Identifiers: Orphanet 191, Orphanet 90322, MedGen C0751038, MONDO:0019570, OMIM 133540.

gnomAD v4.1: 3 of 1,613,854 alleles (0.00019%); highest among the groups gnomAD compares: East Asian, 0.0045%; no homozygotes.

Submissions (2):

Labcorp Genetics (formerly Invitae), Labcorp
Classification: Uncertain significance. Last evaluated: 2021-05-12. Review status: criteria provided, single submitter. Criteria: Invitae Variant Classification Sherloc (09022015). Collection method: clinical testing. Allele origin: germline.
Comment: This sequence change replaces arginine with glycine at codon 557 of the ERCC6 protein (p.Arg557Gly). The arginine residue is highly conserved and there is a moderate physicochemical difference between arginine and glycine. This variant is not present in population databases (ExAC no frequency). This variant has not been reported in the literature in individuals with ERCC6-related disease. Algorithms developed to predict the effect of missense changes on protein structure and function are either unavailable or do not agree on the potential impact of this missense change (SIFT: "Deleterious"; PolyPhen-2: "Benign"; Align-GVGD: "Class C65"). In summary, the available evidence is currently insufficient to determine the role of this variant in disease. Therefore, it has been classified as a Variant of Uncertain Significance.

Victorian Clinical Genetics Services, Murdoch Childrens Research Institute
Classification: Uncertain significance for Cockayne syndrome type 2. Last evaluated: 2020-05-25. Review status: criteria provided, single submitter. Criteria: ACMG Guidelines, 2015. Collection method: clinical testing. Allele origin: germline. Affected: yes.
Comment: Based on the classification scheme VCGS_Germline_v0.6.1, this variant is classified as 3B-VUS. Following criteria are met: 0102 - Loss of function is a known mechanism of disease for this gene. 0108 - This gene is known to be associated with both recessive and dominant disease. 0200 - Variant is predicted to result in a missense amino acid change from arginine to glycine (exon 7). 0301 - Variant is absent from gnomAD. 0309 - Alternative amino acid changes at the same position have been observed in gnomAD (p.(Arg557His): 52 heterozygotes, 0 homozygotes; p.(Arg557Cys): 12 heterozygotes, 0 homozygotes). 0501 - Missense variant consistently predicted to be damaging by in silico tools or highly conserved with a major amino acid change. 0600 - Variant is located in an annotated domain or motif that does not have a well established function (helicase ATP-binding motif; PDB). 0705 - No comparable variants in relevant codon/region have previous evidence for pathogenicity. 0807 - Variant has not previously been reported in a clinical context. It has previously been described as variant of uncertain significance (LOVD). 0905 - No published segregation evidence has been identified for this variant. 1007 - No published functional evidence has been identified for this variant.